The following is an entry in ClinVar:

ClinVar aggregate classification (germline): Uncertain significance (1 of 4 stars; one submission).

Submission:

Labcorp Genetics (formerly Invitae), Labcorp
Classification: Uncertain significance. Last evaluated: 2023-10-13. Review status: criteria provided, single submitter. Criteria: Invitae Variant Classification Sherloc (09022015). Collection method: clinical testing. Allele origin: germline.
Comment: This sequence change replaces isoleucine, which is neutral and non-polar, with threonine, which is neutral and polar, at codon 8 of the CEP63 protein (p.Ile8Thr). This variant is not present in population databases (gnomAD no frequency). This variant has not been reported in the literature in individuals affected with CEP63-related conditions. ClinVar contains an entry for this variant (Variation ID: 1506610). Advanced modeling of protein sequence and biophysical properties (such as structural, functional, and spatial information, amino acid conservation, physicochemical variation, residue mobility, and thermodynamic stability) performed at Invitae indicates that this missense variant is not expected to disrupt CEP63 protein function. In summary, the available evidence is currently insufficient to determine the role of this variant in disease. Therefore, it has been classified as a Variant of Uncertain Significance.

NM_001353108.3(CEP63):c.23T>C (p.Ile8Thr)

Gene: CEP63 (centrosomal protein 63; plus strand). Cytogenetic location: 3q22.2.
Variant type: single nucleotide variant.
Coding change: c.23T>C on transcript NM_001353108.3 (MANE Select); coding-DNA position 23, T replaced by C.
Protein change: p.Ile8Thr; replaces isoleucine 8 with threonine.
Molecular consequence: missense variant. On other transcripts: synonymous variant (1), 5 prime UTR variant (2), non-coding transcript variant (4).
Genome position (GRCh38, 1-based): chr3:134,495,343, T>C. VCF-style: chr3-134495343-T-C. GRCh37 (hg19) VCF-style: chr3-134214185-T-C.
Other names: c.23T>C, p.Ile8Thr (NM_001042383.2, NM_001042384.2, NM_001042400.3 and 13 more transcripts); c.54T>C, p.Asn18= (NM_001353118.1); c.-58T>C (NM_001353125.2); c.-359T>C (NM_001353126.2); short protein forms I8T.
Identifiers: ClinVar variation 1506610 (VCV001506610.8), dbSNP rs2108045314, ClinGen allele CA354627190.